The following is an entry in ClinVar:

ClinVar aggregate classification (germline): Uncertain significance (1 of 4 stars; one submission).

Conditions:
Autosomal recessive limb-girdle muscular dystrophy type 2O. Also called: MUSCULAR DYSTROPHY-DYSTROGLYCANOPATHY (LIMB-GIRDLE), TYPE C, 3; MUSCULAR DYSTROPHY-DYSTROGLYCANOPATHY, LIMB-GIRDLE, POMGNT1-RELATED; Limb-Girdle Muscular Dystrophy Type 3C. Identifiers: Orphanet 206564, MedGen C3150417, MONDO:0013161, OMIM 613157.
Muscular dystrophy-dystroglycanopathy (congenital with impaired intellectual development), type B, 3. Also called: Muscular dystrophy-dystroglycanopathy (congenital with intellectual disability), type B3; MUSCULAR DYSTROPHY, CONGENITAL, POMGNT1-RELATED. Identifiers: MedGen C3150412, MONDO:0013155, OMIM 613151.

Submission:

Labcorp Genetics (formerly Invitae), Labcorp
Classification: Uncertain significance for Autosomal recessive limb-girdle muscular dystrophy type 2O; Muscular dystrophy-dystroglycanopathy (congenital with impaired intellectual development), type B, 3. Last evaluated: 2019-09-03. Review status: criteria provided, single submitter. Criteria: Invitae Variant Classification Sherloc (09022015). Collection method: clinical testing. Allele origin: germline.
Comment: In summary, the available evidence is currently insufficient to determine the role of this variant in disease. Therefore, it has been classified as a Variant of Uncertain Significance. Algorithms developed to predict the effect of missense changes on protein structure and function (SIFT, PolyPhen-2, Align-GVGD) all suggest that this variant is likely to be tolerated, but these predictions have not been confirmed by published functional studies and their clinical significance is uncertain. This sequence change replaces proline with leucine at codon 95 of the POMGNT1 protein (p.Pro95Leu). The proline residue is moderately conserved and there is a moderate physicochemical difference between proline and leucine. This variant is not present in population databases (ExAC no frequency). This variant has not been reported in the literature in individuals with POMGNT1-related conditions.

NM_017739.4(POMGNT1):c.284C>T (p.Pro95Leu)

Gene: POMGNT1 (protein O-linked mannose N-acetylglucosaminyltransferase 1 (beta 1,2-); minus strand). Cytogenetic location: 1p34.1.
Variant type: single nucleotide variant.
Coding change: c.284C>T on transcript NM_017739.4 (MANE Select); coding-DNA position 284, C replaced by T.
Protein change: p.Pro95Leu; replaces proline 95 with leucine.
Molecular consequence: missense variant. On other transcripts: 5 prime UTR variant (1).
Genome position (GRCh38, 1-based): chr1:46,196,801, G>A on the plus strand (C>T on the coding strand, the complement: POMGNT1 is on the minus strand). VCF-style: chr1-46196801-G-A. GRCh37 (hg19) VCF-style: chr1-46662473-G-A.
Other names: c.284C>T, p.Pro95Leu (NM_001243766.2, NM_001410783.1); c.218C>T, p.Pro73Leu (NM_001290129.3); c.-146C>T (NM_001290130.2); short protein forms P73L, P95L.
Identifiers: ClinVar variation 956796 (VCV000956796.10), dbSNP rs1334885135, ClinGen allele CA340191662.